The following is an entry in ClinVar:

NM_002458.3(MUC5B):c.6459T>A (p.Pro2153=)

Genes: MUC5B (mucin 5B, oligomeric mucus/gel-forming; plus strand), MUC5B-AS1 (MUC5B antisense RNA 1; minus strand). Cytogenetic location: 11p15.5.
Variant type: single nucleotide variant.
Coding change: c.6459T>A on transcript NM_002458.3 (MANE Select); coding-DNA position 6459, T replaced by A.
Protein change: p.Pro2153=; no amino-acid change (proline 2153 retained).
Molecular consequence: synonymous variant.
Genome position (GRCh38, 1-based): chr11:1,243,339, T>A. VCF-style: chr11-1243339-T-A. GRCh37 (hg19) VCF-style: chr11-1264569-T-A.
Identifiers: ClinVar variation 2641219 (VCV002641219.24), dbSNP rs752631375, ClinGen allele CA5806015.
Genomic context (GRCh38, chr11:1,243,339, plus strand): 5'-GACCACCACGGCCACTACGATCACGGCCACCGGCTCCACCACCAACCCCTCCTCAACTCC[T>A]GGGACAACTCCCATCCCCCCAGTGCTGACCACCACCGCCACCACACCTGCAGCCACCAGC-3'
Protein context (NP_002449.2, residues 2143-2163): TGSTTNPSST[Pro2153=]GTTPIPPVLT

ClinVar aggregate classification (germline): Likely benign (1 of 4 stars; one submission).

Allele frequency attached by ClinVar (database versions not stated): gnomAD exomes 0.00210; ExAC 0.00228; gnomAD 0.00473; 1000 Genomes Project 30x 0.01249.
gnomAD v4.1: 3,608 of 1,514,686 alleles (0.24%); highest among the groups gnomAD compares: African/African-American, 0.87%; 707 homozygotes.

Submission:

CeGaT Center for Human Genetics Tuebingen
Classification: Likely benign. Last evaluated: 2022-12-01. Review status: criteria provided, single submitter. Criteria: CeGaT Center For Human Genetics Tuebingen Variant Classification Criteria Version 2. Collection method: clinical testing. Allele origin: germline. Affected: yes. Observed: 1 variant allele.
Comment: MUC5B: BP4, BP7